The following is an entry in ClinVar:

NM_016734.3(PAX5):c.908C>G (p.Thr303Arg)

Gene: PAX5 (paired box 5; minus strand). Cytogenetic location: 9p13.2.
Variant type: single nucleotide variant.
Coding change: c.908C>G on transcript NM_016734.3 (MANE Select); coding-DNA position 908, C replaced by G.
Protein change: p.Thr303Arg; replaces threonine 303 with arginine.
Molecular consequence: missense variant. On other transcripts: intron variant (2).
Genome position (GRCh38, 1-based): chr9:36,923,357, G>C on the plus strand (C>G on the coding strand, the complement: PAX5 is on the minus strand). VCF-style: chr9-36923357-G-C. GRCh37 (hg19) VCF-style: chr9-36923354-G-C.
Other names: c.908C>G, p.Thr303Arg (NM_001280548.2, NM_001280552.2, NM_001280547.2); c.584C>G, p.Thr195Arg (NM_001280551.2, NM_001280556.2); c.779C>G, p.Thr260Arg (NM_001280553.2, NM_001280554.2); c.710C>G, p.Thr237Arg (NM_001280555.2); c.780+43192C>G (NM_001280550.2, NM_001280549.2); short protein forms T237R, T260R, T303R, T195R.
Identifiers: ClinVar variation 4843880 (VCV004843880.1).

ClinVar aggregate classification (germline): Uncertain significance (1 of 4 stars; one submission).

Conditions:
Inborn genetic diseases. Identifiers: MedGen C0950123, MeSH D030342.

gnomAD v4.1: 3 of 1,610,634 alleles (0.00019%); highest among the groups gnomAD compares: Non-Finnish European, 0.00025%; no homozygotes.

Submission:

Ambry Genetics
Classification: Uncertain significance for Inborn genetic diseases. Last evaluated: 2025-12-22. Review status: criteria provided, single submitter. Criteria: Ambry Variant Classification Scheme 2023. Collection method: clinical testing. Allele origin: germline.
Comment: The p.T303R variant (also known as c.908C>G), located in coding exon 7 of the PAX5 gene, results from a C to G substitution at nucleotide position 908. The threonine at codon 303 is replaced by arginine, an amino acid with similar properties. This amino acid position is conserved. In addition, this alteration is predicted to be deleterious by in silico analysis. Based on the available evidence, the clinical significance of this variant remains unclear.